The following is an entry in ClinVar:

NM_001457.4(FLNB):c.328A>C (p.Ile110Leu)

Gene: FLNB (filamin B; plus strand). Cytogenetic location: 3p14.3.
Variant type: single nucleotide variant.
Coding change: c.328A>C on transcript NM_001457.4 (MANE Select); coding-DNA position 328, A replaced by C.
Protein change: p.Ile110Leu; replaces isoleucine 110 with leucine.
Molecular consequence: missense variant.
Genome position (GRCh38, 1-based): chr3:58,077,081, A>C. VCF-style: chr3-58077081-A-C. GRCh37 (hg19) VCF-style: chr3-58062808-A-C.
Other names: c.328A>C, p.Ile110Leu (NM_001164317.2, NM_001164318.2, NM_001164319.2); short protein forms I110L.
Identifiers: ClinVar variation 2996791 (VCV002996791.3), dbSNP rs1165934410, ClinGen allele CA353333176.
Genomic context (GRCh38, chr3:58,077,081, plus strand): 5'-ACCAAGCCTGTGCTTCTCTCCCCAGATAGCAAAGCCATTGTGGATGGGAACCTGAAGCTC[A>C]TCTTGGGTCTGGTGTGGACGCTGATCCTCCACTACTCCATCTCCATGCCCGTGTGGGAGG-3'
Protein context (NP_001448.2, residues 100-120): KAIVDGNLKL[Ile110Leu]LGLVWTLILH

ClinVar aggregate classification (germline): Uncertain significance (1 of 4 stars; one submission).

Allele frequency attached by ClinVar (database versions not stated): gnomAD 0.00001; TOPMed 0.00002.

Submission:

Labcorp Genetics (formerly Invitae), Labcorp
Classification: Uncertain significance. Last evaluated: 2023-10-22. Review status: criteria provided, single submitter. Criteria: Invitae Variant Classification Sherloc (09022015). Collection method: clinical testing. Allele origin: germline.
Comment: This sequence change replaces isoleucine, which is neutral and non-polar, with leucine, which is neutral and non-polar, at codon 110 of the FLNB protein (p.Ile110Leu). This variant is present in population databases (no rsID available, gnomAD 0.002%). This variant has not been reported in the literature in individuals affected with FLNB-related conditions. Advanced modeling of protein sequence and biophysical properties (such as structural, functional, and spatial information, amino acid conservation, physicochemical variation, residue mobility, and thermodynamic stability) has been performed at Invitae for this missense variant, however the output from this modeling did not meet the statistical confidence thresholds required to predict the impact of this variant on FLNB protein function. In summary, the available evidence is currently insufficient to determine the role of this variant in disease. Therefore, it has been classified as a Variant of Uncertain Significance.